The following is an entry in ClinVar:

NM_020699.4(GATAD2B):c.1567C>T (p.Pro523Ser)

Gene: GATAD2B (GATA zinc finger domain containing 2B; minus strand). Cytogenetic location: 1q21.3.
Variant type: single nucleotide variant.
Coding change: c.1567C>T on transcript NM_020699.4 (MANE Select); coding-DNA position 1567, C replaced by T.
Protein change: p.Pro523Ser; replaces proline 523 with serine.
Molecular consequence: missense variant.
Genome position (GRCh38, 1-based): chr1:153,811,812, G>A on the plus strand (C>T on the coding strand, the complement: GATAD2B is on the minus strand). VCF-style: chr1-153811812-G-A. GRCh37 (hg19) VCF-style: chr1-153784288-G-A.
Other names: short protein forms P523S.
Identifiers: ClinVar variation 2771619 (VCV002771619.3), dbSNP rs2525232931, ClinGen allele CA342580908.

ClinVar aggregate classification (germline): Uncertain significance (1 of 4 stars; one submission).

Submission:

Labcorp Genetics (formerly Invitae), Labcorp
Classification: Uncertain significance. Last evaluated: 2024-04-22. Review status: criteria provided, single submitter. Criteria: Invitae Variant Classification Sherloc (09022015). Collection method: clinical testing. Allele origin: germline.
Comment: This sequence change replaces proline, which is neutral and non-polar, with serine, which is neutral and polar, at codon 523 of the GATAD2B protein (p.Pro523Ser). This variant is not present in population databases (gnomAD no frequency). This variant has not been reported in the literature in individuals affected with GATAD2B-related conditions. Advanced modeling of protein sequence and biophysical properties (such as structural, functional, and spatial information, amino acid conservation, physicochemical variation, residue mobility, and thermodynamic stability) performed at Invitae indicates that this missense variant is not expected to disrupt GATAD2B protein function with a negative predictive value of 80%. In summary, the available evidence is currently insufficient to determine the role of this variant in disease. Therefore, it has been classified as a Variant of Uncertain Significance.